The following is an entry in ClinVar:

NM_000748.3(CHRNB2):c.1174_1181del (p.Asn392fs)

Gene: CHRNB2 (cholinergic receptor nicotinic beta 2 subunit; plus strand). Cytogenetic location: 1q21.3.
Variant type: Deletion.
Coding change: c.1174_1181del on transcript NM_000748.3 (MANE Select); coding-DNA positions 1174 to 1181, 8 bases deleted (AACCGCGC; older notation c.1174_1181delAACCGCGC).
Protein change: p.Asn392fs; shifts the reading frame from asparagine 392.
Molecular consequence: frameshift variant.
Genome position (GRCh38, 1-based): chr1:154,571,997-154,572,004, AACCGCGC deleted; deleting any 8 consecutive bases within chr1:154,571,996-154,572,004 gives the same sequence; the c. name uses the placement nearest the transcript's 3' end. VCF-style (leftmost placement, unchanged base first): chr1-154571995-TCAACCGCG-T. GRCh37 (hg19) VCF-style: chr1-154544471-TCAACCGCG-T.
Other names: short protein forms N392fs.
Identifiers: ClinVar variation 3723355 (VCV003723355.2).

ClinVar aggregate classification (germline): Uncertain significance (1 of 4 stars; one submission).

Conditions:
Familial sleep-related hypermotor epilepsy. Also called: Autosomal Dominant Sleep-Related Hypermotor (Hyperkinetic) Epilepsy. Identifiers: Orphanet 98784, MedGen C3696898, MONDO:0000030.

Submission:

Labcorp Genetics (formerly Invitae), Labcorp
Classification: Uncertain significance. Last evaluated: 2024-11-05. Review status: criteria provided, single submitter. Criteria: Invitae Variant Classification Sherloc (09022015). Collection method: clinical testing. Allele origin: germline.
Comment: This sequence change creates a premature translational stop signal (p.Asn392Valfs*12) in the CHRNB2 gene. It is expected to result in an absent or disrupted protein product. However, the current clinical and genetic evidence is not sufficient to establish whether loss-of-function variants in CHRNB2 cause disease. This variant is not present in population databases (gnomAD no frequency). This variant has not been reported in the literature in individuals affected with CHRNB2-related conditions. In summary, the available evidence is currently insufficient to determine the role of this variant in disease. Therefore, it has been classified as a Variant of Uncertain Significance.